The following is an entry in ClinVar:

ClinVar aggregate classification (germline): Uncertain significance (1 of 4 stars; one submission).

Allele frequency attached by ClinVar (database versions not stated): gnomAD 0.00001; ExAC 0.00002; TOPMed 0.00002; gnomAD exomes 0.00003 and 0.00007.
gnomAD v4.1: 43 of 1,614,174 alleles (0.0027%); highest among the groups gnomAD compares: East Asian, 0.096%; no homozygotes.

Submission:

GeneDx
Classification: Uncertain significance. Last evaluated: 2017-05-31. Review status: criteria provided, single submitter. Criteria: GeneDx Variant Classification (06012015). Collection method: clinical testing. Allele origin: germline. Affected: yes.
Comment: A variant of uncertain significance has been identified in the TSEN54 gene. The F518L variant has not been published as a pathogenic variant, nor has it been reported as a benign variant to our knowledge. The F518L variant is not observed at a significant frequency in large population cohorts (Lek et al., 2016; 1000 Genomes Consortium et al., 2015; Exome Variant Server). The F518L variant is a conservative amino acid substitution, which is not likely to impact secondary protein structure as these residues share similar properties. However, this substitution occurs at a position that is conserved across species, and in silico analysis predicts this variant is probably damaging to the protein structure/function. Therefore, based on the currently available information, it is unclear whether this variant is a pathogenic variant or a rare benign variant.

NM_207346.3(TSEN54):c.1552T>C (p.Phe518Leu)

Gene: TSEN54 (tRNA splicing endonuclease subunit 54; plus strand). Cytogenetic location: 17q25.1.
Variant type: single nucleotide variant.
Coding change: c.1552T>C on transcript NM_207346.3 (MANE Select); coding-DNA position 1552, T replaced by C.
Protein change: p.Phe518Leu; replaces phenylalanine 518 with leucine.
Molecular consequence: missense variant.
Genome position (GRCh38, 1-based): chr17:75,524,383, T>C. VCF-style: chr17-75524383-T-C. GRCh37 (hg19) VCF-style: chr17-73520464-T-C.
Other names: short protein forms F518L.
Identifiers: ClinVar variation 430521 (VCV000430521.2), dbSNP rs749096965, ClinGen allele CA8764471.
Genomic context (GRCh38, chr17:75,524,383, plus strand): 5'-GTCCCTCTGATCTTTGCCCTGGTGGATCATGGTGACATCTCCTTCTACAGCTTCAGGGAC[T>C]TCACGTTGCCCCAGGATGTGGGGCACTGACCTCACAGCTCTGCAGAGGATGGAGCTTGCT-3'
Protein context (NP_997229.2, residues 508-526): GDISFYSFRD[Phe518Leu]TLPQDVGH